The following is an entry in ClinVar:

ClinVar aggregate classification (germline): Uncertain significance (1 of 4 stars; one submission).

Conditions:
Deficiency of ferroxidase (ACEP). Also called: Aceruloplasminemia; Ceruloplasmin deficiency; Familial apoceruloplasmin deficiency; Hereditary ceruloplasmin deficiency; Deficiency of ceruloplasmin; NEURODEGENERATION WITH BRAIN IRON ACCUMULATION 10. Identifiers: Orphanet 48818, MedGen C0878682, MONDO:0011426, OMIM 604290, HP:0025498.

Submission:

Institute of Human Genetics, University of Leipzig Medical Center
Classification: Uncertain significance for Deficiency of ferroxidase. Last evaluated: 2021-05-12. Review status: criteria provided, single submitter. Criteria: ACMG Guidelines, 2015. Collection method: clinical testing. Allele origin: unknown. Inheritance: Autosomal recessive inheritance. Affected: yes.
Comment: Criteria applied: PM2,PM3_SUP

NM_000096.4(CP):c.751G>A (p.Glu251Lys)

Gene: CP (ceruloplasmin; minus strand). Cytogenetic location: 3q25.1.
Variant type: single nucleotide variant.
Coding change: c.751G>A on transcript NM_000096.4 (MANE Select); coding-DNA position 751, G replaced by A.
Protein change: p.Glu251Lys; replaces glutamic acid 251 with lysine.
Molecular consequence: missense variant. On other transcripts: non-coding transcript variant (1).
Genome position (GRCh38, 1-based): chr3:149,209,241, C>T on the plus strand (G>A on the coding strand, the complement: CP is on the minus strand). VCF-style: chr3-149209241-C-T. GRCh37 (hg19) VCF-style: chr3-148927028-C-T.
Other names: short protein forms E251K.
Identifiers: ClinVar variation 4819171 (VCV004819171.1).
Genomic context (GRCh38, chr3:149,209,241, plus strand): 5'-GTAAAGTTAACATGTCTGCTGTAATCTTACAATACATTCTGTTACTCTCCTGGAAGTCTT[C>T]GTTGTCTTTGTCAACTTTCTCTGGTTCTGAGCAGTAGGTTTTAATGTTGTCTTCTAGGTA-3'
Protein context (NP_000087.2, residues 241-261): SEPEKVDKDN[Glu251Lys]DFQESNRMYS